The following is an entry in ClinVar:

NM_173354.5(SIK1):c.500-2A>G

Gene: SIK1 (salt inducible kinase 1; minus strand). Cytogenetic location: 21q22.3.
Variant type: single nucleotide variant.
Coding change: c.500-2A>G on transcript NM_173354.5 (MANE Select); the canonical splice acceptor site of the intron before coding-DNA position 500, A replaced by G.
Molecular consequence: splice acceptor variant.
Genome position (GRCh38, 1-based): chr21:43,421,369, T>C on the plus strand (A>G on the coding strand, the complement: SIK1 is on the minus strand). VCF-style: chr21-43421369-T-C. GRCh37 (hg19) VCF-style: chr21-44841249-T-C.
Identifiers: ClinVar variation 2726461 (VCV002726461.3), dbSNP rs2516967575, ClinGen allele CA410610058.
Genomic context (GRCh38, chr21:43,421,369, plus strand): 5'-GCTCCCACACCACGTGGACAGAGGCTCTCCTGACTTGTAGAAATTCCCAAATCCAAAATC[T>C]GAGCGGCAAAGAAACAGATGGATGAGGTTAAACGGCAAATGGCAAGGGGCTGCGGTTTCG-3'

ClinVar aggregate classification (germline): Uncertain significance (1 of 4 stars; one submission).

Conditions:
Developmental and epileptic encephalopathy, 30 (DEE30). Also called: Epileptic encephalopathy, early infantile, 30. Identifiers: MedGen C4225360, MONDO:0014595, OMIM 616341.

Submission:

Labcorp Genetics (formerly Invitae), Labcorp
Classification: Uncertain significance for Developmental and epileptic encephalopathy, 30. Last evaluated: 2023-11-13. Review status: criteria provided, single submitter. Criteria: Invitae Variant Classification Sherloc (09022015). Collection method: clinical testing. Allele origin: germline.
Comment: This sequence change affects an acceptor splice site in intron 5 of the SIK1 gene. It is expected to disrupt RNA splicing. Variants that disrupt the donor or acceptor splice site typically lead to a loss of protein function (PMID: 16199547), however the current clinical and genetic evidence is not sufficient to establish whether loss-of-function variants in SIK1 cause disease. This variant is not present in population databases (gnomAD no frequency). Disruption of this splice site has been observed in individual(s) with clinical features of SIK1-related conditions (Invitae). Algorithms developed to predict the effect of sequence changes on RNA splicing suggest that this variant may disrupt the consensus splice site. In summary, the available evidence is currently insufficient to determine the role of this variant in disease. Therefore, it has been classified as a Variant of Uncertain Significance.

Literature cited by the submitters: PubMed 16199547.